The following is an entry in ClinVar:

NM_000535.7(PMS2):c.2344G>A (p.Asp782Asn)

Gene: PMS2 (PMS1 homolog 2, mismatch repair system component; minus strand). Cytogenetic location: 7p22.1.
Variant type: single nucleotide variant.
Coding change: c.2344G>A on transcript NM_000535.7 (MANE Select); coding-DNA position 2344, G replaced by A.
Protein change: p.Asp782Asn; replaces aspartic acid 782 with asparagine.
Molecular consequence: missense variant. On other transcripts: non-coding transcript variant (1).
Genome position (GRCh38, 1-based): chr7:5,977,689, C>T on the plus strand (G>A on the coding strand, the complement: PMS2 is on the minus strand). VCF-style: chr7-5977689-C-T. GRCh37 (hg19) VCF-style: chr7-6017320-C-T.
Other names: c.1783G>A, p.Asp595Asn (NM_001406907.1, NM_001322010.2, NM_001406906.1); c.1771G>A, p.Asp591Asn (NM_001406908.1, NM_001406909.1, NM_001322013.2); c.1573G>A, p.Asp525Asn (NM_001406911.1); c.1141G>A, p.Asp381Asn (NM_001406912.1); c.1627G>A, p.Asp543Asn (NM_001406910.1); c.1939G>A, p.Asp647Asn (NM_001018040.1, NM_001322003.2, NM_001322004.2 and 12 more transcripts); c.2188G>A, p.Asp730Asn (NM_001322006.2); c.2026G>A, p.Asp676Asn (NM_001322007.2, NM_001322008.2, NM_001406883.1); and 20 more; short protein forms D471N, D726N, D525N, D591N, D624N, D730N, D741N, D844N.
Identifiers: ClinVar variation 1789914 (VCV001789914.2), dbSNP rs2128674336, ClinGen allele CA366735910.

ClinVar aggregate classification (germline): Uncertain significance (1 of 4 stars; one submission).

Conditions:
Hereditary cancer-predisposing syndrome. Also called: Hereditary Cancer Syndrome; Hereditary neoplastic syndrome; Tumor predisposition; Neoplastic Syndromes, Hereditary. Identifiers: Orphanet 140162, MedGen C0027672, MeSH D009386, MONDO:0015356.

Submission:

Ambry Genetics
Classification: Uncertain significance for Hereditary cancer-predisposing syndrome. Last evaluated: 2022-09-19. Review status: criteria provided, single submitter. Criteria: Ambry Variant Classification Scheme 2023. Collection method: clinical testing. Allele origin: germline.
Comment: The p.D782N variant (also known as c.2344G>A), located in coding exon 14 of the PMS2 gene, results from a G to A substitution at nucleotide position 2344. The aspartic acid at codon 782 is replaced by asparagine, an amino acid with highly similar properties. This amino acid position is conserved. In addition, the in silico prediction for this alteration is inconclusive. Since supporting evidence is limited at this time, the clinical significance of this alteration remains unclear.